The following is an entry in ClinVar:

NM_001365536.1(SCN9A):c.3307G>A (p.Ala1103Thr)

Genes: SCN1A-AS1 (SCN1A and SCN9A antisense RNA 1; plus strand), SCN9A (sodium voltage-gated channel alpha subunit 9; minus strand). Cytogenetic location: 2q24.3.
Variant type: single nucleotide variant.
Coding change: c.3307G>A on transcript NM_001365536.1 (MANE Select); coding-DNA position 3307, G replaced by A.
Protein change: p.Ala1103Thr; replaces alanine 1103 with threonine.
Molecular consequence: missense variant.
Genome position (GRCh38, 1-based): chr2:166,272,443, C>T on the plus strand (G>A on the coding strand, the complement: SCN9A is on the minus strand). VCF-style: chr2-166272443-C-T. GRCh37 (hg19) VCF-style: chr2-167128953-C-T.
Other names: c.3274G>A, p.Ala1092Thr (NM_002977.4); short protein forms A1092T, A1103T.
Identifiers: ClinVar variation 1375405 (VCV001375405.9), dbSNP rs1321452733, ClinGen allele CA349072590.
Genomic context (GRCh38, chr2:166,272,443, plus strand): 5'-TATGAAGCATTCTTACCACTTTGCTGTATTCACTATCCGAATCACTGCTAAGTTCCTCAG[C>T]ATTCATATTTTCCAAATCGGATTCCCCAGGTGCAATTGGCACTGTCACTGTGAGGCTGGG-3'
Protein context (NP_001352465.1, residues 1093-1113): PGESDLENMN[Ala1103Thr]EELSSDSDSE

ClinVar aggregate classification (germline): Conflicting classifications of pathogenicity. Review status: criteria provided, conflicting classifications (1 of 4 stars). 2 submissions from 2 submitters: Uncertain significance (1); Likely benign (1). Last evaluated 2025-01-14.

Conditions:
Generalized epilepsy with febrile seizures plus, type 7 (GEFSP7). Also called: GEFS+, TYPE 7. Identifiers: Orphanet 36387, MedGen C2751778, MONDO:0013470, OMIM 613863.
Neuropathy, hereditary sensory and autonomic, type 2A (HSAN2A). Also called: NEUROPATHY, CONGENITAL SENSORY; NEUROPATHY, HEREDITARY SENSORY RADICULAR, AUTOSOMAL RECESSIVE; NEUROPATHY, HEREDITARY SENSORY, TYPE IIA; NEUROPATHY, PROGRESSIVE SENSORY, OF CHILDREN; HSAN IIA; MORVAN DISEASE. Identifiers: Orphanet 970, MedGen C2752089, MONDO:0024309, OMIM 201300.
Inborn genetic diseases. Identifiers: MedGen C0950123, MeSH D030342.

Allele frequency attached by ClinVar (database versions not stated): gnomAD exomes below 0.00001; TOPMed below 0.00001.
gnomAD v4.1: 1 of 1,609,862 alleles (0.000062%); highest among the groups gnomAD compares: African/African-American, 0.0013%; no homozygotes.

Submissions (2):

Labcorp Genetics (formerly Invitae), Labcorp
Classification: Uncertain significance for Neuropathy, hereditary sensory and autonomic, type 2A; Generalized epilepsy with febrile seizures plus, type 7. Last evaluated: 2025-01-14. Review status: criteria provided, single submitter. Criteria: Invitae Variant Classification Sherloc (09022015). Collection method: clinical testing. Allele origin: germline.
Comment: This sequence change replaces alanine, which is neutral and non-polar, with threonine, which is neutral and polar, at codon 1092 of the SCN9A protein (p.Ala1092Thr). This variant is not present in population databases (gnomAD no frequency). This variant has not been reported in the literature in individuals affected with SCN9A-related conditions. ClinVar contains an entry for this variant (Variation ID: 1375405). Invitae Evidence Modeling of protein sequence and biophysical properties (such as structural, functional, and spatial information, amino acid conservation, physicochemical variation, residue mobility, and thermodynamic stability) indicates that this missense variant is not expected to disrupt SCN9A protein function with a negative predictive value of 95%. In summary, the available evidence is currently insufficient to determine the role of this variant in disease. Therefore, it has been classified as a Variant of Uncertain Significance.

Ambry Genetics
Classification: Likely benign for Inborn genetic diseases. Last evaluated: 2021-07-26. Review status: criteria provided, single submitter. Criteria: Ambry Variant Classification Scheme 2023. Collection method: clinical testing. Allele origin: germline.